The following is an entry in ClinVar:

NM_005591.4(MRE11):c.309T>G (p.Phe103Leu)

Gene: MRE11 (MRE11 double strand break repair nuclease; minus strand). Cytogenetic location: 11q21.
Variant type: single nucleotide variant.
Coding change: c.309T>G on transcript NM_005591.4 (MANE Select); coding-DNA position 309, T replaced by G.
Protein change: p.Phe103Leu; replaces phenylalanine 103 with leucine.
Molecular consequence: missense variant.
Genome position (GRCh38, 1-based): chr11:94,485,929, A>C on the plus strand (T>G on the coding strand, the complement: MRE11 is on the minus strand). VCF-style: chr11-94485929-A-C. GRCh37 (hg19) VCF-style: chr11-94219095-A-C.
Other names: c.309T>G, p.Phe103Leu (NM_001330347.2, NM_005590.4); short protein forms F103L.
Identifiers: ClinVar variation 2433798 (VCV002433798.8), dbSNP rs1386290024, ClinGen allele CA382379358.

ClinVar aggregate classification (germline): Uncertain significance. Review status: criteria provided, multiple submitters, no conflicts (2 of 4 stars). 3 submissions from 3 submitters: Uncertain significance (3). Last evaluated 2025-05-20.

Conditions:
Hereditary cancer-predisposing syndrome. Also called: Hereditary Cancer Syndrome; Neoplastic Syndromes, Hereditary; Tumor predisposition; Hereditary neoplastic syndrome. Identifiers: Orphanet 140162, MedGen C0027672, MeSH D009386, MONDO:0015356.
Ataxia-telangiectasia-like disorder (ATLD). Identifiers: MedGen C1858391, MONDO:0011457.
Ataxia-telangiectasia-like disorder 1 (ATLD1). Identifiers: Orphanet 251347, MedGen C4012790, MONDO:0024557, OMIM 604391.

gnomAD v4.1: 2 of 1,612,664 alleles (0.00012%); highest among the groups gnomAD compares: Admixed American, 0.0033%; no homozygotes.

Submissions (3):

Ambry Genetics
Classification: Uncertain significance for Hereditary cancer-predisposing syndrome. Last evaluated: 2025-05-20. Review status: criteria provided, single submitter. Criteria: Ambry Variant Classification Scheme 2023. Collection method: clinical testing. Allele origin: germline.

Labcorp Genetics (formerly Invitae), Labcorp
Classification: Uncertain significance for Ataxia-telangiectasia-like disorder. Last evaluated: 2023-02-26. Review status: criteria provided, single submitter. Criteria: Invitae Variant Classification Sherloc (09022015). Collection method: clinical testing. Allele origin: germline.
Comment: This variant has not been reported in the literature in individuals affected with MRE11-related conditions. In summary, the available evidence is currently insufficient to determine the role of this variant in disease. Therefore, it has been classified as a Variant of Uncertain Significance. An algorithm developed to predict the effect of missense changes on protein structure and function (PolyPhen-2) suggests that this variant is likely to be tolerated. This variant is present in population databases (no rsID available, gnomAD 0.003%). This sequence change replaces phenylalanine, which is neutral and non-polar, with leucine, which is neutral and non-polar, at codon 103 of the MRE11 protein (p.Phe103Leu).

Revvity Omics, Revvity
Classification: Uncertain significance for Ataxia-telangiectasia-like disorder 1. Last evaluated: 2019-05-16. Review status: criteria provided, single submitter. Criteria: ACMG Guidelines, 2015. Collection method: clinical testing. Allele origin: germline.